The following is an entry in ClinVar:

NM_000719.7(CACNA1C):c.4024C>T (p.Arg1342Cys)

Gene: CACNA1C (calcium voltage-gated channel subunit alpha1 C; plus strand). Cytogenetic location: 12p13.33.
Variant type: single nucleotide variant.
Coding change: c.4024C>T on transcript NM_000719.7 (MANE Select); coding-DNA position 4024, C replaced by T.
Protein change: p.Arg1342Cys; replaces arginine 1342 with cysteine.
Molecular consequence: missense variant.
Genome position (GRCh38, 1-based): chr12:2,651,718, C>T. VCF-style: chr12-2651718-C-T. GRCh37 (hg19) VCF-style: chr12-2760884-C-T.
Other names: c.4168C>T, p.Arg1390Cys (NM_001129827.2, NM_199460.4); c.4090C>T, p.Arg1364Cys (NM_001129829.2); c.4024C>T, p.Arg1342Cys (NM_001129830.3, NM_001129833.2, NM_001129834.2 and 7 more transcripts); c.4108C>T, p.Arg1370Cys (NM_001129831.2); c.4084C>T, p.Arg1362Cys (NM_001129832.2); c.4075C>T, p.Arg1359Cys (NM_001129836.2); c.3991C>T, p.Arg1331Cys (NM_001129837.2, NM_001129838.2, NM_001129846.2 and 1 more transcripts); c.3985C>T, p.Arg1329Cys (NM_001129839.2); and 1 more; short protein forms R1390C, R1339C, R1359C, R1370C, R1342C, R1362C, R1364C, R1329C.
Identifiers: ClinVar variation 861460 (VCV000861460.11), dbSNP rs2094999086, ClinGen allele CA383373684.

ClinVar aggregate classification (germline): Uncertain significance. Review status: criteria provided, multiple submitters, no conflicts (2 of 4 stars). 2 submissions from 2 submitters: Uncertain significance (2). Last evaluated 2025-06-02.

Conditions:
Neurodevelopmental disorder with hypotonia, language delay, and skeletal defects with or without seizures (NEDHLSS). Identifiers: MedGen C5774213, MONDO:0859286, OMIM 620029.
Long QT syndrome (LQTS). Identifiers: MedGen C0023976, MeSH D008133, MONDO:0002442. Disease mechanism: loss of function. Inheritance: Various modes of inheritance.

Allele frequency attached by ClinVar (database versions not stated): TOPMed below 0.00001.

Submissions (2):

Clinical Genetics Laboratory, University Hospital Schleswig-Holstein
Classification: Uncertain significance for Neurodevelopmental disorder with hypotonia, language delay, and skeletal defects with or without seizures. Last evaluated: 2025-06-02. Review status: criteria provided, single submitter. Criteria: ACMG Guidelines, 2015. Collection method: clinical testing. Allele origin: paternal. Affected: yes. Observed: 1 heterozygote.
Comment: ACMG criteria applied: PM2, PP2, PP3

Labcorp Genetics (formerly Invitae), Labcorp
Classification: Uncertain significance for Long QT syndrome. Last evaluated: 2024-10-22. Review status: criteria provided, single submitter. Criteria: Invitae Variant Classification Sherloc (09022015). Collection method: clinical testing. Allele origin: germline.
Comment: This sequence change replaces arginine, which is basic and polar, with cysteine, which is neutral and slightly polar, at codon 1342 of the CACNA1C protein (p.Arg1342Cys). This variant is not present in population databases (gnomAD no frequency). This variant has not been reported in the literature in individuals affected with CACNA1C-related conditions. ClinVar contains an entry for this variant (Variation ID: 861460). Invitae Evidence Modeling of protein sequence and biophysical properties (such as structural, functional, and spatial information, amino acid conservation, physicochemical variation, residue mobility, and thermodynamic stability) indicates that this missense variant is expected to disrupt CACNA1C protein function with a positive predictive value of 95%. In summary, the available evidence is currently insufficient to determine the role of this variant in disease. Therefore, it has been classified as a Variant of Uncertain Significance.